The following is an entry in ClinVar:

NM_000038.6(APC):c.1658G>T (p.Trp553Leu)

Gene: APC (APC regulator of Wnt signaling pathway; plus strand). Cytogenetic location: 5q22.2.
Variant type: single nucleotide variant.
Coding change: c.1658G>T on transcript NM_000038.6 (MANE Select); coding-DNA position 1658, G replaced by T.
Protein change: p.Trp553Leu; replaces tryptophan 553 with leucine.
Molecular consequence: missense variant.
Genome position (GRCh38, 1-based): chr5:112,828,887, G>T. VCF-style: chr5-112828887-G-T. GRCh37 (hg19) VCF-style: chr5-112164584-G-T.
Other names: c.1658G>T, p.Trp553Leu (NM_001127510.3, NM_001354895.2, NM_001407450.1); c.1604G>T, p.Trp535Leu (NM_001127511.3); c.1712G>T, p.Trp571Leu (NM_001354896.2, NM_001407447.1, NM_001407448.1 and 1 more transcripts); c.1688G>T, p.Trp563Leu (NM_001354897.2); c.1583G>T, p.Trp528Leu (NM_001354898.2); c.1574G>T, p.Trp525Leu (NM_001354899.2); c.1535G>T, p.Trp512Leu (NM_001354900.2); c.1481G>T, p.Trp494Leu (NM_001354901.2, NM_001407453.1); and 11 more; short protein forms W169L, W424L, W427L, W470L, W512L, W270L, W452L, W494L.
Identifiers: ClinVar variation 1777401 (VCV001777401.2), dbSNP rs863225318, ClinGen allele CA16024933.
Genomic context (GRCh38, chr5:112,828,887, plus strand): 5'-AAATTAATCTAAAATTGATTAATTTGCAGGTTATTGCGAGTGTTTTGAGGAATTTGTCTT[G>T]GCGAGCAGATGTAAATAGTAAAAAGACGTTGCGAGAAGTTGGAAGTGTGAAAGCATTGAT-3'
Protein context (NP_000029.2, residues 543-563): VIASVLRNLS[Trp553Leu]RADVNSKKTL

ClinVar aggregate classification (germline): Uncertain significance (1 of 4 stars; one submission).

Conditions:
Hereditary cancer-predisposing syndrome. Also called: Neoplastic Syndromes, Hereditary; Tumor predisposition; Hereditary Cancer Syndrome; Hereditary neoplastic syndrome. Identifiers: Orphanet 140162, MedGen C0027672, MeSH D009386, MONDO:0015356.

Submission:

Ambry Genetics
Classification: Uncertain significance for Hereditary cancer-predisposing syndrome. Last evaluated: 2022-03-16. Review status: criteria provided, single submitter. Criteria: Ambry Variant Classification Scheme 2023. Collection method: clinical testing. Allele origin: germline.
Comment: The p.W553L variant (also known as c.1658G>T), located in coding exon 13 of the APC gene, results from a G to T substitution at nucleotide position 1658. The tryptophan at codon 553 is replaced by leucine, an amino acid with similar properties. This amino acid position is conserved. In addition, in silico predictors for this gene do not accurately predict pathogenicity. Since supporting evidence is limited at this time, the clinical significance of this alteration remains unclear.